The following is an entry in ClinVar:

NM_021619.3(PRDM12):c.640G>A (p.Gly214Ser)

Gene: PRDM12 (PR/SET domain 12; plus strand). Cytogenetic location: 9q34.12.
Variant type: single nucleotide variant.
Coding change: c.640G>A on transcript NM_021619.3 (MANE Select); coding-DNA position 640, G replaced by A.
Protein change: p.Gly214Ser; replaces glycine 214 with serine.
Molecular consequence: missense variant.
Genome position (GRCh38, 1-based): chr9:130,678,598, G>A. VCF-style: chr9-130678598-G-A. GRCh37 (hg19) VCF-style: chr9-133553985-G-A.
Other names: short protein forms G214S.
Identifiers: ClinVar variation 1415027 (VCV001415027.3), dbSNP rs1176008733, ClinGen allele CA375243835.

ClinVar aggregate classification (germline): Uncertain significance (1 of 4 stars; one submission).

Conditions:
Congenital insensitivity to pain-hypohidrosis syndrome. Also called: HSAN VIII; Neuropathy, hereditary sensory and autonomic, type VIII. Identifiers: Orphanet 478664, MedGen C4225308, MONDO:0014662, OMIM 616488.

Allele frequency attached by ClinVar (database versions not stated): gnomAD 0.00001; gnomAD exomes 0.00001.
gnomAD v4.1: 12 of 1,613,440 alleles (0.00074%); highest among the groups gnomAD compares: African/African-American, 0.0013%; no homozygotes.

Submission:

Labcorp Genetics (formerly Invitae), Labcorp
Classification: Uncertain significance for Congenital insensitivity to pain-hypohidrosis syndrome. Last evaluated: 2022-08-23. Review status: criteria provided, single submitter. Criteria: Invitae Variant Classification Sherloc (09022015). Collection method: clinical testing. Allele origin: germline.
Comment: This sequence change replaces glycine, which is neutral and non-polar, with serine, which is neutral and polar, at codon 214 of the PRDM12 protein (p.Gly214Ser). This variant is present in population databases (no rsID available, gnomAD 0.002%). This variant has not been reported in the literature in individuals affected with PRDM12-related conditions. ClinVar contains an entry for this variant (Variation ID: 1415027). Algorithms developed to predict the effect of missense changes on protein structure and function (SIFT, PolyPhen-2, Align-GVGD) all suggest that this variant is likely to be disruptive. Algorithms developed to predict the effect of sequence changes on RNA splicing suggest that this variant may create or strengthen a splice site. In summary, the available evidence is currently insufficient to determine the role of this variant in disease. Therefore, it has been classified as a Variant of Uncertain Significance.